The following is an entry in ClinVar:

ClinVar aggregate classification (germline): Uncertain significance (1 of 4 stars; one submission).

gnomAD v4.1: 1 of 1,613,898 alleles (0.000062%); highest among the groups gnomAD compares: African/African-American, 0.0013%; no homozygotes.

Submission:

Labcorp Genetics (formerly Invitae), Labcorp
Classification: Uncertain significance. Last evaluated: 2025-10-12. Review status: criteria provided, single submitter. Criteria: Invitae Variant Classification Sherloc (09022015). Collection method: clinical testing. Allele origin: germline.
Comment: This sequence change replaces threonine, which is neutral and polar, with isoleucine, which is neutral and non-polar, at codon 648 of the ZCCHC8 protein (p.Thr648Ile). This variant is present in population databases (rs760823188, gnomAD 0.007%). This variant has not been reported in the literature in individuals affected with ZCCHC8-related conditions. Invitae Evidence Modeling of protein sequence and biophysical properties (such as structural, functional, and spatial information, amino acid conservation, physicochemical variation, residue mobility, and thermodynamic stability) indicates that this missense variant is not expected to disrupt ZCCHC8 protein function with a negative predictive value of 80%. In summary, the available evidence is currently insufficient to determine the role of this variant in disease. Therefore, it has been classified as a Variant of Uncertain Significance.

NM_017612.5(ZCCHC8):c.1943C>T (p.Thr648Ile)

Gene: ZCCHC8 (zinc finger CCHC-type containing 8; minus strand). Cytogenetic location: 12q24.31.
Variant type: single nucleotide variant.
Coding change: c.1943C>T on transcript NM_017612.5 (MANE Select); coding-DNA position 1943, C replaced by T.
Protein change: p.Thr648Ile; replaces threonine 648 with isoleucine.
Molecular consequence: missense variant.
Genome position (GRCh38, 1-based): chr12:122,473,678, G>A on the plus strand (C>T on the coding strand, the complement: ZCCHC8 is on the minus strand). VCF-style: chr12-122473678-G-A. GRCh37 (hg19) VCF-style: chr12-122958225-G-A.
Other names: c.1712C>T, p.Thr571Ile (NM_001350935.2); c.1646C>T, p.Thr549Ile (NM_001350936.2); c.1229C>T, p.Thr410Ile (NM_001350937.2, NM_001350938.2); short protein forms T410I, T549I, T571I, T648I.
Identifiers: ClinVar variation 4798568 (VCV004798568.1).